The following is an entry in ClinVar:

NM_002427.4(MMP13):c.800-1G>T

Gene: MMP13 (matrix metallopeptidase 13; minus strand). Cytogenetic location: 11q22.2.
Variant type: single nucleotide variant.
Coding change: c.800-1G>T on transcript NM_002427.4 (MANE Select); the canonical splice acceptor site of the intron before coding-DNA position 800, G replaced by T.
Molecular consequence: splice acceptor variant.
Genome position (GRCh38, 1-based): chr11:102,950,228, C>A on the plus strand (G>T on the coding strand, the complement: MMP13 is on the minus strand). VCF-style: chr11-102950228-C-A. GRCh37 (hg19) VCF-style: chr11-102820957-C-A.
Identifiers: ClinVar variation 2981810 (VCV002981810.3), dbSNP rs1591156543, ClinGen allele CA382228560.

ClinVar aggregate classification (germline): Likely pathogenic (1 of 4 stars; one submission).

gnomAD v4.1: 1 of 1,608,588 alleles (0.000062%); highest among the groups gnomAD compares: Admixed American, 0.0017%; no homozygotes.

Submission:

Labcorp Genetics (formerly Invitae), Labcorp
Classification: Likely pathogenic. Last evaluated: 2023-09-03. Review status: criteria provided, single submitter. Criteria: Invitae Variant Classification Sherloc (09022015). Collection method: clinical testing. Allele origin: germline.
Comment: In summary, the currently available evidence indicates that the variant is pathogenic, but additional data are needed to prove that conclusively. Therefore, this variant has been classified as Likely Pathogenic. Algorithms developed to predict the effect of sequence changes on RNA splicing suggest that this variant may disrupt the consensus splice site. This variant has not been reported in the literature in individuals affected with MMP13-related conditions. This variant is not present in population databases (gnomAD no frequency). This sequence change affects an acceptor splice site in intron 5 of the MMP13 gene. It is expected to disrupt RNA splicing. Variants that disrupt the donor or acceptor splice site typically lead to a loss of protein function (PMID: 16199547), and loss-of-function variants in MMP13 are known to be pathogenic (PMID: 24781753, 31413057).

Literature cited by the submitters: PubMed 16199547; PubMed 24781753; PubMed 31413057.